The following is an entry in ClinVar:

ClinVar aggregate classification (germline): Likely benign. Review status: criteria provided, multiple submitters, no conflicts (2 of 4 stars). 2 submissions from 2 submitters: Likely benign (2). Last evaluated 2026-04-09.

Conditions:
DNMT1-related disorder. Also called: DNMT1-related condition. Identifiers: MedGen CN381527.
Hereditary sensory neuropathy-deafness-dementia syndrome. Also called: Hereditary sensory neuropathy type IE; HSN IE; NEUROPATHY, HEREDITARY SENSORY, WITH HEARING LOSS AND DEMENTIA; Hereditary Sensory and Autonomic Neuropathy Type 1E (HSAN1E). Identifiers: Orphanet 456318, MedGen C3279885, MONDO:0013584, OMIM 614116.

Allele frequency attached by ClinVar (database versions not stated): gnomAD exomes 0.00003; ExAC 0.00009.
gnomAD v4.1: 41 of 1,555,458 alleles (0.0026%); highest among the groups gnomAD compares: South Asian, 0.046%; no homozygotes.

Submissions (2):

PreventionGenetics, part of Exact Sciences
Classification: Likely benign for DNMT1-related condition. Last evaluated: 2026-04-09. Review status: criteria provided, single submitter. Criteria: ACMG Guidelines, 2015. Collection method: clinical testing. Allele origin: germline.
Comment: This variant is classified as likely benign based on ACMG/AMP sequence variant interpretation guidelines (Richards et al. 2015 PMID: 25741868, with internal and published modifications).

Labcorp Genetics (formerly Invitae), Labcorp
Classification: Likely benign for Hereditary sensory neuropathy-deafness-dementia syndrome. Last evaluated: 2024-10-14. Review status: criteria provided, single submitter. Criteria: Invitae Variant Classification Sherloc (09022015). Collection method: clinical testing. Allele origin: germline.

NM_001130823.3(DNMT1):c.1044-10T>C

Gene: DNMT1 (DNA methyltransferase 1; minus strand). Cytogenetic location: 19p13.2.
Variant type: single nucleotide variant.
Coding change: c.1044-10T>C on transcript NM_001130823.3 (MANE Select); 10 bases into the intron before coding-DNA position 1044, T replaced by C.
Molecular consequence: intron variant.
Genome position (GRCh38, 1-based): chr19:10,160,073, A>G on the plus strand (T>C on the coding strand, the complement: DNMT1 is on the minus strand). VCF-style: chr19-10160073-A-G. GRCh37 (hg19) VCF-style: chr19-10270749-A-G.
Other names: c.681-10T>C (NM_001318731.2); c.996-10T>C (NM_001379.4, NM_001318730.2); c.1044-10T>C (NM_001130823.2).
Identifiers: ClinVar variation 2078910 (VCV002078910.5), dbSNP rs761865657, ClinGen allele CA9188424.